The following is an entry in ClinVar:

ClinVar aggregate classification (germline): Uncertain significance (1 of 4 stars; one submission).

Allele frequency attached by ClinVar (database versions not stated): gnomAD exomes below 0.00001; TOPMed below 0.00001.

Submission:

GeneDx
Classification: Uncertain significance. Last evaluated: 2023-09-07. Review status: criteria provided, single submitter. Criteria: GeneDx Variant Classification Process June 2021. Collection method: clinical testing. Allele origin: germline.
Comment: Not observed at significant frequency in large population cohorts (gnomAD); In silico analysis supports that this missense variant does not alter protein structure/function; Has not been previously published as pathogenic or benign to our knowledge

NM_014991.6(WDFY3):c.440T>C (p.Met147Thr)

Gene: WDFY3 (WD repeat and FYVE domain containing 3; minus strand). Cytogenetic location: 4q21.23.
Variant type: single nucleotide variant.
Coding change: c.440T>C on transcript NM_014991.6 (MANE Select); coding-DNA position 440, T replaced by C.
Protein change: p.Met147Thr; replaces methionine 147 with threonine.
Molecular consequence: missense variant.
Genome position (GRCh38, 1-based): chr4:84,837,065, A>G on the plus strand (T>C on the coding strand, the complement: WDFY3 is on the minus strand). VCF-style: chr4-84837065-A-G. GRCh37 (hg19) VCF-style: chr4-85758218-A-G.
Other names: short protein forms M147T.
Identifiers: ClinVar variation 1800964 (VCV001800964.2), dbSNP rs1756674532, ClinGen allele CA357545244.